The following is an entry in ClinVar:

ClinVar aggregate classification (germline): Uncertain significance (1 of 4 stars; one submission).

Conditions:
Zaki syndrome. Also called: MICROCEPHALY, PROGRESSIVE, WITH DEVELOPMENTAL DELAY, CUPPED EARS, AND DYSMORPHIC FEATURES. Identifiers: MedGen C5562037, MONDO:0859209, OMIM 619648.

Submission:

Laboratorio de Genetica e Diagnostico Molecular, Hospital Israelita Albert Einstein
Classification: Uncertain significance for Zaki syndrome. Last evaluated: 2022-12-16. Review status: criteria provided, single submitter. Criteria: ACMG Guidelines, 2015. Collection method: clinical testing. Allele origin: germline. Affected: yes.
Comment: ACMG classification criteria: PM2 moderated, PP3 supporting

NM_024911.7(WLS):c.919T>C (p.Phe307Leu)

Genes: GNG12-AS1 (GNG12, DIRAS3 and WLS antisense RNA 1; plus strand), WLS (Wnt ligand secretion mediator; minus strand). Cytogenetic location: 1p31.3.
Variant type: single nucleotide variant.
Coding change: c.919T>C on transcript NM_024911.7 (MANE Select); coding-DNA position 919, T replaced by C.
Protein change: p.Phe307Leu; replaces phenylalanine 307 with leucine.
Molecular consequence: missense variant.
Genome position (GRCh38, 1-based): chr1:68,150,241, A>G on the plus strand (T>C on the coding strand, the complement: WLS is on the minus strand). VCF-style: chr1-68150241-A-G. GRCh37 (hg19) VCF-style: chr1-68615924-A-G.
Other names: c.913T>C, p.Phe305Leu (NM_001002292.4); c.646T>C, p.Phe216Leu (NM_001193334.1); short protein forms F216L, F305L, F307L.
Identifiers: ClinVar variation 2431926 (VCV002431926.2), dbSNP rs2524136762, ClinGen allele CA340750806.